The following is an entry in ClinVar:

ClinVar aggregate classification (germline): Pathogenic (1 of 4 stars; one submission).

Conditions:
Familial hypobetalipoproteinemia 1. Also called: APOB-Related Familial Hypobetalipoproteinemia; Hypobetalipoproteinemia, normotriglyceridemic; Acanthocytosis with hypobetalipoproteinemia. Identifiers: MedGen C4551990, MONDO:0014252, OMIM 615558.
Hypercholesterolemia, autosomal dominant, type B (FHCL2). Also called: Familial Hypercholesterolemia Type B; APOLIPOPROTEIN B-100, FAMILIAL DEFECTIVE; APOLIPOPROTEIN B-100, FAMILIAL LIGAND-DEFECTIVE; HYPERCHOLESTEROLEMIA, FAMILIAL, DUE TO LIGAND-DEFECTIVE APOLIPOPROTEIN B; Hyperlipoproteinemia Type IIb; Familial hypercholesterolemia 2. Identifiers: MedGen C1704417, MONDO:0007751, OMIM 144010.

Submission:

Labcorp Genetics (formerly Invitae), Labcorp
Classification: Pathogenic for Familial hypobetalipoproteinemia 1; Hypercholesterolemia, autosomal dominant, type B. Last evaluated: 2023-03-01. Review status: criteria provided, single submitter. Criteria: Invitae Variant Classification Sherloc (09022015). Collection method: clinical testing. Allele origin: germline.
Comment: This sequence change creates a premature translational stop signal (p.Ala1849Glnfs*33) in the APOB gene. It is expected to result in an absent or disrupted protein product. Loss-of-function variants in APOB are known to be pathogenic (PMID: 20032471). This variant is not present in population databases (gnomAD no frequency). This variant has not been reported in the literature in individuals affected with APOB-related conditions. For these reasons, this variant has been classified as Pathogenic.

Literature cited by the submitters: PubMed 20032471.

NM_000384.3(APOB):c.5545del (p.Ala1849fs)

Gene: APOB (apolipoprotein B; minus strand). Cytogenetic location: 2p24.1.
Variant type: Deletion.
Coding change: c.5545del on transcript NM_000384.3 (MANE Select); coding-DNA position 5545, one base deleted (G; older notation c.5545delG).
Protein change: p.Ala1849fs; shifts the reading frame from alanine 1849.
Molecular consequence: frameshift variant.
Genome position (GRCh38, 1-based): chr2:21,011,323, C deleted on the plus strand (G on the coding strand, the reverse complement: APOB is on the minus strand). VCF-style (leftmost placement, unchanged base first): chr2-21011322-GC-G. GRCh37 (hg19) VCF-style: chr2-21234194-GC-G.
Other names: short protein forms A1849fs.
Identifiers: ClinVar variation 2944843 (VCV002944843.3), dbSNP rs2465374686, ClinGen allele CA2740092729.